The following is an entry in ClinVar:

ClinVar aggregate classification (germline): Likely benign (1 of 4 stars; one submission).

gnomAD v4.1: 205 of 1,613,336 alleles (0.013%); highest among the groups gnomAD compares: Admixed American, 0.22%; 1 homozygote.

Submission:

CeGaT Center for Human Genetics Tuebingen
Classification: Likely benign. Last evaluated: 2025-10-01. Review status: criteria provided, single submitter. Criteria: CeGaT Center For Human Genetics Tuebingen Variant Classification Criteria Version 2. Collection method: clinical testing. Allele origin: germline. Affected: yes. Observed: 1 variant allele.
Comment: ZNF292: BP4, BP7

NM_015021.3(ZNF292):c.2295C>T (p.Ala765=)

Gene: ZNF292 (zinc finger protein 292; plus strand). Cytogenetic location: 6q14.3.
Variant type: single nucleotide variant.
Coding change: c.2295C>T on transcript NM_015021.3 (MANE Select); coding-DNA position 2295, C replaced by T.
Protein change: p.Ala765=; no amino-acid change (alanine 765 retained).
Molecular consequence: synonymous variant.
Genome position (GRCh38, 1-based): chr6:87,255,924, C>T. VCF-style: chr6-87255924-C-T. GRCh37 (hg19) VCF-style: chr6-87965642-C-T.
Other names: c.1875C>T, p.Ala625= (NM_001351444.2).
Identifiers: ClinVar variation 4534078 (VCV004534078.6).